The following is an entry in ClinVar:

NM_001367624.2(ZNF469):c.5863G>A (p.Ala1955Thr)

Gene: ZNF469 (zinc finger protein 469; plus strand). Cytogenetic location: 16q24.2.
Variant type: single nucleotide variant.
Coding change: c.5863G>A on transcript NM_001367624.2 (MANE Select); coding-DNA position 5863, G replaced by A.
Protein change: p.Ala1955Thr; replaces alanine 1955 with threonine.
Molecular consequence: missense variant.
Genome position (GRCh38, 1-based): chr16:88,433,333, G>A. VCF-style: chr16-88433333-G-A. GRCh37 (hg19) VCF-style: chr16-88499741-G-A.
Other names: NM_001127464.1:c.5779G>A; NM_001127464.2:c.5779G>A; short protein forms A1955T.
Identifiers: ClinVar variation 2522995 (VCV002522995.4), dbSNP rs772675428, ClinGen allele CA286380956.

ClinVar aggregate classification (germline): Uncertain significance. Review status: criteria provided, multiple submitters, no conflicts (2 of 4 stars). 3 submissions from 3 submitters: Uncertain significance (3). Last evaluated 2026-02-02.

Conditions:
ZNF469-related disorder. Also called: ZNF469-related condition.
Cardiovascular phenotype. Identifiers: MedGen CN230736.

Allele frequency attached by ClinVar (database versions not stated): gnomAD exomes 0.00001; gnomAD 0.00003; TOPMed 0.00003.
gnomAD v4.1: 14 of 1,550,142 alleles (0.0009%); highest among the groups gnomAD compares: African/African-American, 0.0027%; no homozygotes.

Submissions (3):

Women's Health and Genetics/Laboratory Corporation of America, LabCorp
Classification: Uncertain significance. Last evaluated: 2026-02-02. Review status: criteria provided, single submitter. Criteria: LabCorp Variant Classification Summary - May 2015. Collection method: clinical testing. Allele origin: germline.
Comment: Variant summary: ZNF469 c.5863G>A (p.Ala1955Thr) results in a non-conservative amino acid change in the encoded protein sequence. Algorithms developed to predict the effect of missense changes on protein structure and function are either unavailable or do not agree on the potential impact of this missense change. The frequency data for this variant in gnomAD is considered unreliable, as metrics indicate poor data quality at this position. To our knowledge, no occurrence of c.5863G>A in individuals affected with ZNF469-related conditions and no experimental evidence demonstrating its impact on protein function have been reported. ClinVar contains an entry for this variant (Variation ID: 2522995). Based on the evidence outlined above, the variant was classified as uncertain significance.

PreventionGenetics, part of Exact Sciences
Classification: Uncertain significance for ZNF469-related condition. Last evaluated: 2025-07-18. Review status: criteria provided, single submitter. Criteria: ACMG Guidelines, 2015. Collection method: clinical testing. Allele origin: germline.
Comment: The ZNF469 c.5779G>A variant is predicted to result in the amino acid substitution p.Ala1927Thr. To our knowledge, this variant has not been reported in the literature. This variant is is absent in a large population database (gnomAD), indicating this variant is rare. At this time, the clinical significance of this variant is uncertain due to the absence of conclusive functional and genetic evidence.

Ambry Genetics
Classification: Uncertain significance for Cardiovascular phenotype. Last evaluated: 2024-02-17. Review status: criteria provided, single submitter. Criteria: Ambry Variant Classification Scheme 2023. Collection method: clinical testing. Allele origin: germline.
Comment: The p.A1927T variant (also known as c.5779G>A), located in coding exon 2 of the ZNF469 gene, results from a G to A substitution at nucleotide position 5779. The alanine at codon 1927 is replaced by threonine, an amino acid with similar properties. This amino acid position is conserved. In addition, this alteration is predicted to be tolerated by in silico analysis. Based on the available evidence, the clinical significance of this alteration remains unclear.